The following is an entry in ClinVar:

ClinVar aggregate classification (germline): Uncertain significance (1 of 4 stars; one submission).

Allele frequency attached by ClinVar (database versions not stated): gnomAD exomes below 0.00001.
gnomAD v4.1: 1 of 1,179,595 alleles (0.000085%); highest among the groups gnomAD compares: African/African-American, 0.0018%; no homozygotes.

Submission:

CeGaT Center for Human Genetics Tuebingen
Classification: Uncertain significance. Last evaluated: 2024-07-01. Review status: criteria provided, single submitter. Criteria: CeGaT Center For Human Genetics Tuebingen Variant Classification Criteria Version 2. Collection method: clinical testing. Allele origin: germline. Affected: yes. Observed: 1 variant allele.
Comment: HDX: PM2

NM_001177479.2(HDX):c.1985T>A (p.Met662Lys)

Gene: HDX (highly divergent homeobox; minus strand). Cytogenetic location: Xq21.1.
Variant type: single nucleotide variant.
Coding change: c.1985T>A on transcript NM_001177479.2 (MANE Select); coding-DNA position 1985, T replaced by A.
Protein change: p.Met662Lys; replaces methionine 662 with lysine.
Molecular consequence: missense variant.
Genome position (GRCh38, 1-based): chrX:84,321,977, A>T on the plus strand (T>A on the coding strand, the complement: HDX is on the minus strand). VCF-style: chrX-84321977-A-T. GRCh37 (hg19) VCF-style: chrX-83576985-A-T.
Other names: c.1811T>A, p.Met604Lys (NM_001177478.2); c.1985T>A, p.Met662Lys (NM_144657.5); short protein forms M604K, M662K.
Identifiers: ClinVar variation 3251186 (VCV003251186.18), dbSNP rs2521609722.